The following is an entry in ClinVar:

NM_000817.3(GAD1):c.167G>T (p.Ser56Ile)

Gene: GAD1 (glutamate decarboxylase 1; plus strand). Cytogenetic location: 2q31.1.
Variant type: single nucleotide variant.
Coding change: c.167G>T on transcript NM_000817.3 (MANE Select); coding-DNA position 167, G replaced by T.
Protein change: p.Ser56Ile; replaces serine 56 with isoleucine.
Molecular consequence: missense variant.
Genome position (GRCh38, 1-based): chr2:170,829,496, G>T. VCF-style: chr2-170829496-G-T. GRCh37 (hg19) VCF-style: chr2-171686006-G-T.
Other names: c.167G>T, p.Ser56Ile (NM_013445.4); short protein forms S56I.
Identifiers: ClinVar variation 1943865 (VCV001943865.5), dbSNP rs2468322620, ClinGen allele CA349271922.

ClinVar aggregate classification (germline): Uncertain significance (1 of 4 stars; one submission).

Conditions:
Neurodevelopmental disorder with progressive spasticity and brain white matter abnormalities. Also called: CEREBRAL PALSY, SPASTIC QUADRIPLEGIC, 1. Identifiers: Orphanet 210141, Orphanet 641353, MedGen C5436628, MONDO:0033613, OMIM 619026.

Allele frequency attached by ClinVar (database versions not stated): gnomAD exomes below 0.00001.
gnomAD v4.1: 4 of 1,613,492 alleles (0.00025%); highest among the groups gnomAD compares: Non-Finnish European, 0.00034%; no homozygotes.

Submission:

Labcorp Genetics (formerly Invitae), Labcorp
Classification: Uncertain significance for Neurodevelopmental disorder with progressive spasticity and brain white matter abnormalities. Last evaluated: 2022-10-31. Review status: criteria provided, single submitter. Criteria: Invitae Variant Classification Sherloc (09022015). Collection method: clinical testing. Allele origin: germline.
Comment: Algorithms developed to predict the effect of missense changes on protein structure and function (SIFT, PolyPhen-2, Align-GVGD) all suggest that this variant is likely to be tolerated. This variant has not been reported in the literature in individuals affected with GAD1-related conditions. This variant is not present in population databases (gnomAD no frequency). This sequence change replaces serine, which is neutral and polar, with isoleucine, which is neutral and non-polar, at codon 56 of the GAD1 protein (p.Ser56Ile). In summary, the available evidence is currently insufficient to determine the role of this variant in disease. Therefore, it has been classified as a Variant of Uncertain Significance.